The following is an entry in ClinVar:

NM_000548.5(TSC2):c.2270T>C (p.Phe757Ser)

Gene: TSC2 (TSC complex subunit 2; plus strand). Cytogenetic location: 16p13.3.
Variant type: single nucleotide variant.
Coding change: c.2270T>C on transcript NM_000548.5 (MANE Select); coding-DNA position 2270, T replaced by C.
Protein change: p.Phe757Ser; replaces phenylalanine 757 with serine.
Molecular consequence: missense variant. On other transcripts: non-coding transcript variant (5).
Genome position (GRCh38, 1-based): chr16:2,072,898, T>C. VCF-style: chr16-2072898-T-C. GRCh37 (hg19) VCF-style: chr16-2122899-T-C.
Other names: c.2159T>C, p.Phe720Ser (NM_001406678.1, NM_001318827.2, NM_001406670.1); c.2123T>C, p.Phe708Ser (NM_001406679.1, NM_001318829.2, NM_001406675.1 and 1 more transcripts); c.1670T>C, p.Phe557Ser (NM_001406680.1, NM_001406682.1, NM_001406683.1 and 6 more transcripts); c.1808T>C, p.Phe603Ser (NM_001406681.1); c.926T>C, p.Phe309Ser (NM_001406694.1, NM_001406695.1, NM_001406696.1 and 6 more transcripts); c.668T>C, p.Phe223Ser (NM_001406698.1); c.2270T>C, p.Phe757Ser (NM_021055.3, NM_001077183.3, NM_001114382.3 and 6 more transcripts); c.2303T>C, p.Phe768Ser (NM_001318832.2); and 3 more; short protein forms F309S, F753S, F557S, F603S, F738S, F768S, F223S, F708S.
Identifiers: ClinVar variation 3974635 (VCV003974635.1).

ClinVar aggregate classification (germline): Uncertain significance (1 of 4 stars; one submission).

Conditions:
Hereditary cancer-predisposing syndrome. Also called: Tumor predisposition; Hereditary neoplastic syndrome; Hereditary Cancer Syndrome; Neoplastic Syndromes, Hereditary. Identifiers: Orphanet 140162, MedGen C0027672, MeSH D009386, MONDO:0015356.

Submission:

Ambry Genetics
Classification: Uncertain significance for Hereditary cancer-predisposing syndrome. Last evaluated: 2025-03-29. Review status: criteria provided, single submitter. Criteria: Ambry Variant Classification Scheme 2023. Collection method: clinical testing. Allele origin: germline.
Comment: The p.F757S variant (also known as c.2270T>C), located in coding exon 20 of the TSC2 gene, results from a T to C substitution at nucleotide position 2270. The phenylalanine at codon 757 is replaced by serine, an amino acid with highly dissimilar properties. This amino acid position is conserved. In addition, this alteration is predicted to be deleterious by in silico analysis. Based on the available evidence, the clinical significance of this variant remains unclear.